The following is an entry in ClinVar:

ClinVar aggregate classification (germline): Uncertain significance (1 of 4 stars; one submission).

Conditions:
Hereditary cancer-predisposing syndrome. Also called: Tumor predisposition; Hereditary Cancer Syndrome; Neoplastic Syndromes, Hereditary; Hereditary neoplastic syndrome. Identifiers: Orphanet 140162, MedGen C0027672, MeSH D009386, MONDO:0015356.

Allele frequency attached by ClinVar (database versions not stated): gnomAD exomes below 0.00001.
gnomAD v4.1: 1 of 1,614,182 alleles (0.000062%); highest among the groups gnomAD compares: Non-Finnish European, 0.000085%; no homozygotes.

Submission:

Ambry Genetics
Classification: Uncertain significance for Hereditary cancer-predisposing syndrome. Last evaluated: 2022-08-16. Review status: criteria provided, single submitter. Criteria: Ambry Variant Classification Scheme 2023. Collection method: clinical testing. Allele origin: germline.
Comment: The p.G935E variant (also known as c.2804G>A), located in coding exon 24 of the POLE gene, results from a G to A substitution at nucleotide position 2804. The glycine at codon 935 is replaced by glutamic acid, an amino acid with similar properties. This amino acid position is conserved. In addition, this alteration is predicted to be deleterious by in silico analysis. Since supporting evidence is limited at this time, the clinical significance of this alteration remains unclear.

NM_006231.4(POLE):c.2804G>A (p.Gly935Glu)

Gene: POLE (DNA polymerase epsilon, catalytic subunit; minus strand). Cytogenetic location: 12q24.33.
Variant type: single nucleotide variant.
Coding change: c.2804G>A on transcript NM_006231.4 (MANE Select); coding-DNA position 2804, G replaced by A.
Protein change: p.Gly935Glu; replaces glycine 935 with glutamic acid.
Molecular consequence: missense variant.
Genome position (GRCh38, 1-based): chr12:132,661,587, C>T on the plus strand (G>A on the coding strand, the complement: POLE is on the minus strand). VCF-style: chr12-132661587-C-T. GRCh37 (hg19) VCF-style: chr12-133238173-C-T.
Other names: short protein forms G935E.
Identifiers: ClinVar variation 1796249 (VCV001796249.2), dbSNP rs2135948554, ClinGen allele CA387393734.